The following is an entry in ClinVar:

ClinVar aggregate classification (germline): Uncertain significance (1 of 4 stars; one submission).

Conditions:
Hereditary cancer-predisposing syndrome. Also called: Neoplastic Syndromes, Hereditary; Tumor predisposition; Hereditary Cancer Syndrome; Hereditary neoplastic syndrome. Identifiers: Orphanet 140162, MedGen C0027672, MeSH D009386, MONDO:0015356.

Submission:

Ambry Genetics
Classification: Uncertain significance for Hereditary cancer-predisposing syndrome. Last evaluated: 2026-02-06. Review status: criteria provided, single submitter. Criteria: Ambry Variant Classification Scheme 2023. Collection method: clinical testing. Allele origin: germline.
Comment: The p.R791P variant (also known as c.2372G>C), located in coding exon 4 of the MSH6 gene, results from a G to C substitution at nucleotide position 2372. The arginine at codon 791 is replaced by proline, an amino acid with dissimilar properties. This amino acid position is conserved. In addition, this alteration is predicted to be deleterious by in silico analysis. Based on the available evidence, the clinical significance of this variant remains unclear.

NM_000179.3(MSH6):c.2372G>C (p.Arg791Pro)

Gene: MSH6 (mutS homolog 6; plus strand). Cytogenetic location: 2p16.3.
Variant type: single nucleotide variant.
Coding change: c.2372G>C on transcript NM_000179.3 (MANE Select); coding-DNA position 2372, G replaced by C.
Protein change: p.Arg791Pro; replaces arginine 791 with proline.
Molecular consequence: missense variant. On other transcripts: non-coding transcript variant (5), intron variant (3).
Genome position (GRCh38, 1-based): chr2:47,800,355, G>C. VCF-style: chr2-47800355-G-C. GRCh37 (hg19) VCF-style: chr2-48027494-G-C.
Other names: c.1466G>C, p.Arg489Pro (NM_001406811.1, NM_001406812.1, NM_001406814.1 and 6 more transcripts); c.2378G>C, p.Arg793Pro (NM_001406813.1); c.2075G>C, p.Arg692Pro (NM_001406818.1, NM_001406819.1, NM_001406820.1 and 10 more transcripts); c.2372G>C, p.Arg791Pro (NM_001406800.1, NM_001406808.1, NM_001406809.1 and 2 more transcripts); c.2468G>C, p.Arg823Pro (NM_001406802.1, NM_001406795.1); c.2294G>C, p.Arg765Pro (NM_001406804.1); c.1847G>C, p.Arg616Pro (NM_001406806.1, NM_001406807.1, NM_001406799.1); c.2204G>C, p.Arg735Pro (NM_001406826.1); and 4 more; short protein forms R661P, R692P, R823P, R489P, R791P, R616P, R735P, R765P.
Identifiers: ClinVar variation 4825260 (VCV004825260.1).